The following is an entry in ClinVar:

ClinVar aggregate classification (germline): Uncertain significance (1 of 4 stars; one submission).

Submission:

Labcorp Genetics (formerly Invitae), Labcorp
Classification: Uncertain significance. Last evaluated: 2024-11-13. Review status: criteria provided, single submitter. Criteria: Invitae Variant Classification Sherloc (09022015). Collection method: clinical testing. Allele origin: germline.
Comment: This sequence change replaces valine, which is neutral and non-polar, with glutamic acid, which is acidic and polar, at codon 1740 of the VCAN protein (p.Val1740Glu). This variant is not present in population databases (gnomAD no frequency). This variant has not been reported in the literature in individuals affected with VCAN-related conditions. An algorithm developed to predict the effect of missense changes on protein structure and function outputs the following: PolyPhen-2: "Benign". The glutamic acid amino acid residue is found in multiple mammalian species, which suggests that this missense change does not adversely affect protein function. In summary, the available evidence is currently insufficient to determine the role of this variant in disease. Therefore, it has been classified as a Variant of Uncertain Significance.

NM_004385.5(VCAN):c.5219T>A (p.Val1740Glu)

Genes: VCAN (versican; plus strand), VCAN-AS1 (VCAN antisense RNA 1; minus strand). Cytogenetic location: 5q14.3.
Variant type: single nucleotide variant.
Coding change: c.5219T>A on transcript NM_004385.5 (MANE Select); coding-DNA position 5219, T replaced by A.
Protein change: p.Val1740Glu; replaces valine 1740 with glutamic acid.
Molecular consequence: missense variant. On other transcripts: intron variant (2).
Genome position (GRCh38, 1-based): chr5:83,538,222, T>A. VCF-style: chr5-83538222-T-A. GRCh37 (hg19) VCF-style: chr5-82834041-T-A.
Other names: c.2258T>A, p.Val753Glu (NM_001164097.2); c.4004-7315T>A (NM_001164098.2); c.1043-7315T>A (NM_001126336.3); short protein forms V753E, V1740E.
Identifiers: ClinVar variation 3700307 (VCV003700307.2).
Genomic context (GRCh38, chr5:83,538,222, plus strand): 5'-TTGAGGAAAAGAAAAGGAAGGAGGAGGAGGGAACTACAGGTACGGCTTCTACATTTGAGG[T>A]ATATTCATCTACACAGAGATCGGATCAATTAATTTTACCCTTTGAATTAGAAAGTCCAAA-3'
Protein context (NP_004376.2, residues 1730-1750): GTTGTASTFE[Val1740Glu]YSSTQRSDQL